The following is an entry in ClinVar:

ClinVar aggregate classification (germline): Uncertain significance. Review status: criteria provided, multiple submitters, no conflicts (2 of 4 stars). 2 submissions from 2 submitters: Uncertain significance (2). Last evaluated 2025-10-30.

Conditions:
SEMA3D-related disorder. Also called: SEMA3D-related condition.

Allele frequency attached by ClinVar (database versions not stated): gnomAD exomes 0.00001.
gnomAD v4.1: 15 of 1,612,412 alleles (0.00093%); highest among the groups gnomAD compares: Non-Finnish European, 0.0011%; no homozygotes.

Submissions (2):

Ambry Genetics
Classification: Uncertain significance. Last evaluated: 2025-10-30. Review status: criteria provided, single submitter. Criteria: Ambry Variant Classification Scheme 2023. Collection method: clinical testing. Allele origin: germline.

PreventionGenetics, part of Exact Sciences
Classification: Uncertain significance for SEMA3D-related condition. Last evaluated: 2024-11-26. Review status: criteria provided, single submitter. Criteria: ACMG Guidelines, 2015. Collection method: clinical testing. Allele origin: germline.
Comment: The SEMA3D c.1366C>G variant is predicted to result in the amino acid substitution p.His456Asp. To our knowledge, this variant has not been reported in the literature or in gnomAD, indicating this variant is rare. At this time, the clinical significance of this variant is uncertain due to the absence of conclusive functional and genetic evidence.

NM_001384900.1(SEMA3D):c.1366C>G (p.His456Asp)

Gene: SEMA3D (semaphorin 3D; minus strand). Cytogenetic location: 7q21.11.
Variant type: single nucleotide variant.
Coding change: c.1366C>G on transcript NM_001384900.1 (MANE Select); coding-DNA position 1366, C replaced by G.
Protein change: p.His456Asp; replaces histidine 456 with aspartic acid.
Molecular consequence: missense variant.
Genome position (GRCh38, 1-based): chr7:85,022,439, G>C on the plus strand (C>G on the coding strand, the complement: SEMA3D is on the minus strand). VCF-style: chr7-85022439-G-C. GRCh37 (hg19) VCF-style: chr7-84651755-G-C.
Other names: c.1366C>G, p.His456Asp (NM_001384901.1, NM_001384902.1, NM_001384903.1 and 1 more transcripts); short protein forms H456D.
Identifiers: ClinVar variation 2529240 (VCV002529240.5), dbSNP rs2535152779, ClinGen allele CA368025234.
Genomic context (GRCh38, chr7:85,022,439, plus strand): 5'-GTTTTAGCTTACCTGTTCCAAGAAACATTACATCGTACTGGCCATCTTCTGCAATGACAT[G>C]ATCCACCACTATCTGTGTCAGTCTGTAATCCACATTGATTCTCTTGAACGTTGGTCCTCC-3'
Protein context (NP_001371829.1, residues 446-466): DYRLTQIVVD[His456Asp]VIAEDGQYDV